The following is an entry in ClinVar:

ClinVar aggregate classification (germline): Uncertain significance (1 of 4 stars; one submission).

Allele frequency attached by ClinVar (database versions not stated): gnomAD exomes below 0.00001; TOPMed 0.00001.
gnomAD v4.1: 1 of 1,611,284 alleles (0.000062%); highest among the groups gnomAD compares: Non-Finnish European, 0.000085%; no homozygotes.

Submission:

Labcorp Genetics (formerly Invitae), Labcorp
Classification: Uncertain significance. Last evaluated: 2022-07-14. Review status: criteria provided, single submitter. Criteria: Invitae Variant Classification Sherloc (09022015). Collection method: clinical testing. Allele origin: germline.
Comment: This sequence change replaces glutamic acid, which is acidic and polar, with lysine, which is basic and polar, at codon 3691 of the PCLO protein (p.Glu3691Lys). This variant is present in population databases (no rsID available, gnomAD 0.0009%). This variant has not been reported in the literature in individuals affected with PCLO-related conditions. Algorithms developed to predict the effect of missense changes on protein structure and function are either unavailable or do not agree on the potential impact of this missense change (SIFT: "Deleterious"; PolyPhen-2: "Not Available"; Align-GVGD: "Class C0"). In summary, the available evidence is currently insufficient to determine the role of this variant in disease. Therefore, it has been classified as a Variant of Uncertain Significance.

NM_033026.6(PCLO):c.11071G>A (p.Glu3691Lys)

Gene: PCLO (piccolo presynaptic cytomatrix protein; minus strand). Cytogenetic location: 7q21.11.
Variant type: single nucleotide variant.
Coding change: c.11071G>A on transcript NM_033026.6 (MANE Select); coding-DNA position 11071, G replaced by A.
Protein change: p.Glu3691Lys; replaces glutamic acid 3691 with lysine.
Molecular consequence: missense variant.
Genome position (GRCh38, 1-based): chr7:82,949,517, C>T on the plus strand (G>A on the coding strand, the complement: PCLO is on the minus strand). VCF-style: chr7-82949517-C-T. GRCh37 (hg19) VCF-style: chr7-82578833-C-T.
Other names: c.11071G>A, p.Glu3691Lys (NM_014510.3); short protein forms E3691K.
Identifiers: ClinVar variation 1898313 (VCV001898313.2), dbSNP rs900975185, ClinGen allele CA161141134.